The following is an entry in ClinVar:

ClinVar aggregate classification (germline): Uncertain significance (1 of 4 stars; one submission).

Allele frequency attached by ClinVar (database versions not stated): gnomAD 0.00038; TOPMed 0.00045; ESP Exome Variant Server 0.00054; 1000 Genomes Project 0.00080.
gnomAD v4.1: 119 of 1,613,574 alleles (0.0074%); highest among the groups gnomAD compares: African/African-American, 0.13%; no homozygotes.

Submission:

Labcorp Genetics (formerly Invitae), Labcorp
Classification: Uncertain significance. Last evaluated: 2025-12-08. Review status: criteria provided, single submitter. Criteria: Invitae Variant Classification Sherloc (09022015). Collection method: clinical testing. Allele origin: germline.
Comment: This sequence change replaces leucine, which is neutral and non-polar, with valine, which is neutral and non-polar, at codon 298 of the B4GALT1 protein (p.Leu298Val). This variant is present in population databases (rs150249236, gnomAD 0.2%). This variant has not been reported in the literature in individuals affected with B4GALT1-related conditions. Invitae Evidence Modeling of protein sequence and biophysical properties (such as structural, functional, and spatial information, amino acid conservation, physicochemical variation, residue mobility, and thermodynamic stability) indicates that this missense variant is not expected to disrupt B4GALT1 protein function with a negative predictive value of 80%. In summary, the available evidence is currently insufficient to determine the role of this variant in disease. Therefore, it has been classified as a Variant of Uncertain Significance.

NM_001497.4(B4GALT1):c.892C>G (p.Leu298Val)

Gene: B4GALT1 (beta-1,4-galactosyltransferase 1; minus strand). Cytogenetic location: 9p21.1.
Variant type: single nucleotide variant.
Coding change: c.892C>G on transcript NM_001497.4 (MANE Select); coding-DNA position 892, C replaced by G.
Protein change: p.Leu298Val; replaces leucine 298 with valine.
Molecular consequence: missense variant. On other transcripts: intron variant (2).
Genome position (GRCh38, 1-based): chr9:33,116,058, G>C on the plus strand (C>G on the coding strand, the complement: B4GALT1 is on the minus strand). VCF-style: chr9-33116058-G-C. GRCh37 (hg19) VCF-style: chr9-33116056-G-C.
Other names: c.853C>G, p.Leu285Val (NM_001378495.1); c.649-11277C>G (NM_001378497.1); c.837-2180C>G (NM_001378496.1); short protein forms L298V, L285V.
Identifiers: ClinVar variation 4798604 (VCV004798604.1), dbSNP rs150249236.